The following is an entry in ClinVar:

ClinVar aggregate classification (germline): Uncertain significance (1 of 4 stars; one submission).

Submission:

GeneDx
Classification: Uncertain significance. Last evaluated: 2022-11-19. Review status: criteria provided, single submitter. Criteria: GeneDx Variant Classification Process June 2021. Collection method: clinical testing. Allele origin: germline. Affected: yes.
Comment: Not observed at significant frequency in large population cohorts (gnomAD); In silico analysis supports that this missense variant has a deleterious effect on protein structure/function; Has not been previously published as pathogenic or benign to our knowledge

NM_000426.4(LAMA2):c.7334A>T (p.Gln2445Leu)

Gene: LAMA2 (laminin subunit alpha 2; plus strand). Cytogenetic location: 6q22.33.
Variant type: single nucleotide variant.
Coding change: c.7334A>T on transcript NM_000426.4 (MANE Select); coding-DNA position 7334, A replaced by T.
Protein change: p.Gln2445Leu; replaces glutamine 2445 with leucine.
Molecular consequence: missense variant.
Genome position (GRCh38, 1-based): chr6:129,473,247, A>T. VCF-style: chr6-129473247-A-T. GRCh37 (hg19) VCF-style: chr6-129794392-A-T.
Other names: c.7334A>T, p.Gln2445Leu (NM_001079823.2); short protein forms Q2445L.
Identifiers: ClinVar variation 2502779 (VCV002502779.1), dbSNP rs2533459548, ClinGen allele CA365624194.